The following is an entry in ClinVar:

ClinVar aggregate classification (germline): Uncertain significance. Review status: criteria provided, multiple submitters, no conflicts (2 of 4 stars). 2 submissions from 2 submitters: Uncertain significance (2). Last evaluated 2025-08-17.

Allele frequency attached by ClinVar (database versions not stated): ExAC 0.00001; gnomAD 0.00001; gnomAD exomes 0.00001; TOPMed 0.00001.
gnomAD v4.1: 9 of 1,613,922 alleles (0.00056%); highest among the groups gnomAD compares: African/African-American, 0.0013%; no homozygotes.

Submissions (2):

Labcorp Genetics (formerly Invitae), Labcorp
Classification: Uncertain significance. Last evaluated: 2025-08-17. Review status: criteria provided, single submitter. Criteria: Invitae Variant Classification Sherloc (09022015). Collection method: clinical testing. Allele origin: germline.
Comment: This sequence change replaces proline, which is neutral and non-polar, with leucine, which is neutral and non-polar, at codon 128 of the KLF10 protein (p.Pro128Leu). This variant is present in population databases (rs754274218, gnomAD 0.004%). This variant has not been reported in the literature in individuals affected with KLF10-related conditions. ClinVar contains an entry for this variant (Variation ID: 2057060). An algorithm developed to predict the effect of missense changes on protein structure and function outputs the following: PolyPhen-2: "Benign". The leucine amino acid residue is found in multiple mammalian species, which suggests that this missense change does not adversely affect protein function. In summary, the available evidence is currently insufficient to determine the role of this variant in disease. Therefore, it has been classified as a Variant of Uncertain Significance.

Ambry Genetics
Classification: Uncertain significance. Last evaluated: 2025-01-04. Review status: criteria provided, single submitter. Criteria: Ambry Variant Classification Scheme 2023. Collection method: clinical testing. Allele origin: germline.

NM_005655.4(KLF10):c.383C>T (p.Pro128Leu)

Gene: KLF10 (KLF transcription factor 10; minus strand). Cytogenetic location: 8q22.3.
Variant type: single nucleotide variant.
Coding change: c.383C>T on transcript NM_005655.4 (MANE Select); coding-DNA position 383, C replaced by T.
Protein change: p.Pro128Leu; replaces proline 128 with leucine.
Molecular consequence: missense variant.
Genome position (GRCh38, 1-based): chr8:102,651,949, G>A on the plus strand (C>T on the coding strand, the complement: KLF10 is on the minus strand). VCF-style: chr8-102651949-G-A. GRCh37 (hg19) VCF-style: chr8-103664177-G-A.
Other names: c.350C>T, p.Pro117Leu (NM_001032282.4); c.383C>T (NM_005655.2); short protein forms P128L, P117L.
Identifiers: ClinVar variation 2057060 (VCV002057060.5), dbSNP rs754274218, ClinGen allele CA4833618.